The following is an entry in ClinVar:

ClinVar aggregate classification (germline): Uncertain significance (1 of 4 stars; one submission).

gnomAD v4.1: 2 of 1,614,098 alleles (0.00012%); highest among the groups gnomAD compares: Non-Finnish European, 0.00017%; no homozygotes.

Submission:

GeneDx
Classification: Uncertain significance. Last evaluated: 2026-06-02. Review status: criteria provided, single submitter. Criteria: GeneDx Variant Classification Process June 2021. Collection method: clinical testing. Allele origin: germline.
Comment: Not observed at significant frequency in large population cohorts (gnomAD); In silico analysis supports that this missense variant does not alter protein structure/function; Has not been previously published as pathogenic or benign to our knowledge

NM_152641.4(ARID2):c.5059C>G (p.Gln1687Glu)

Gene: ARID2 (AT-rich interaction domain 2; plus strand). Cytogenetic location: 12q12.
Variant type: single nucleotide variant.
Coding change: c.5059C>G on transcript NM_152641.4 (MANE Select); coding-DNA position 5059, C replaced by G.
Protein change: p.Gln1687Glu; replaces glutamine 1687 with glutamic acid.
Molecular consequence: missense variant.
Genome position (GRCh38, 1-based): chr12:45,891,916, C>G. VCF-style: chr12-45891916-C-G. GRCh37 (hg19) VCF-style: chr12-46285699-C-G.
Other names: c.5059C>G, p.Gln1687Glu (NM_001347839.2); short protein forms Q1687E.
Identifiers: ClinVar variation 3343331 (VCV003343331.2).